The following is an entry in ClinVar:

ClinVar aggregate classification (germline): Conflicting classifications of pathogenicity. Review status: criteria provided, conflicting classifications (1 of 4 stars). 3 submissions from 3 submitters: Uncertain significance (1); Likely benign (1). 1 of the submissions does not count toward it. Last evaluated 2025-11-26.

Conditions:
Familial dysautonomia. Also called: FD; HSAN III. Identifiers: Orphanet 1764, MedGen C0013364, MONDO:0009131, OMIM 223900. Disease mechanism: loss of function.

Allele frequency attached by ClinVar (database versions not stated): TOPMed below 0.00001; gnomAD exomes 0.00001.
gnomAD v4.1: 11 of 1,613,872 alleles (0.00068%); highest among the groups gnomAD compares: Non-Finnish European, 0.00093%; no homozygotes.

Submissions (3):

Ambry Genetics
Classification: Likely benign. Last evaluated: 2025-11-26. Review status: criteria provided, single submitter. Criteria: Ambry Variant Classification Scheme 2023. Collection method: clinical testing. Allele origin: germline.

Labcorp Genetics (formerly Invitae), Labcorp
Classification: Uncertain significance. Last evaluated: 2021-08-27. Review status: criteria provided, single submitter. Criteria: Invitae Variant Classification Sherloc (09022015). Collection method: clinical testing. Allele origin: germline.
Comment: This sequence change replaces histidine with arginine at codon 194 of the ELP1 protein (p.His194Arg). The histidine residue is weakly conserved and there is a small physicochemical difference between histidine and arginine. This variant is not present in population databases (ExAC no frequency). This variant has not been reported in the literature in individuals affected with ELP1-related conditions. Algorithms developed to predict the effect of missense changes on protein structure and function output the following: SIFT: "Tolerated"; PolyPhen-2: "Benign"; Align-GVGD: "Class C0". The arginine amino acid residue is found in multiple mammalian species, which suggests that this missense change does not adversely affect protein function. In summary, the available evidence is currently insufficient to determine the role of this variant in disease. Therefore, it has been classified as a Variant of Uncertain Significance.

Natera, Inc.
Classification: Uncertain significance for Familial dysautonomia. Last evaluated: 2020-10-21. Review status: no assertion criteria provided. Collection method: clinical testing. Allele origin: germline. Not counted in ClinVar's aggregate classification.

NM_003640.5(ELP1):c.581A>G (p.His194Arg)

Gene: ELP1 (elongator acetyltransferase complex subunit 1; minus strand). Cytogenetic location: 9q31.3.
Variant type: single nucleotide variant.
Coding change: c.581A>G on transcript NM_003640.5 (MANE Select); coding-DNA position 581, A replaced by G.
Protein change: p.His194Arg; replaces histidine 194 with arginine.
Molecular consequence: missense variant. On other transcripts: intron variant (1).
Genome position (GRCh38, 1-based): chr9:108,919,321, T>C on the plus strand (A>G on the coding strand, the complement: ELP1 is on the minus strand). VCF-style: chr9-108919321-T-C. GRCh37 (hg19) VCF-style: chr9-111681601-T-C.
Other names: c.239A>G, p.His80Arg (NM_001318360.2); c.-307-1651A>G (NM_001330749.2); c.581A>G (NM_003640.3); short protein forms H194R, H80R.
Identifiers: ClinVar variation 1018541 (VCV001018541.8), dbSNP rs1682473914, ClinGen allele CA374388535.